The following is an entry in ClinVar:

ClinVar aggregate classification (germline): Uncertain significance (1 of 4 stars; one submission).

Conditions:
Leukodystrophy, hypomyelinating, 10. Also called: PYCR2-related microcephaly-progressive leukoencephalopathy. Identifiers: Orphanet 481152, MedGen C4225332, MONDO:0014632, OMIM 616420.

Submission:

Dasa
Classification: Uncertain significance for Leukodystrophy, hypomyelinating, 10. Last evaluated: 2026-02-24. Review status: criteria provided, single submitter. Criteria: DASA Assertion Criteria. Collection method: clinical testing. Allele origin: germline.
Comment: NM_013328.4(PYCR2):c.721G>A (p.Ala241Thr) is a missense variant that results in the substitution of alanine with threonine. The affected residue or protein region has prior evidence supporting clinical relevance. This variant is absent from population databases. Computational prediction algorithms are consistent with a deleterious effect. The currently available literature and clinical evidence are not sufficient to establish a definitive association between this variant and the reported condition. Therefore, this variant is classified as a variant of uncertain significance.

NM_013328.4(PYCR2):c.721G>A (p.Ala241Thr)

Gene: PYCR2 (pyrroline-5-carboxylate reductase 2; minus strand). Cytogenetic location: 1q42.12.
Variant type: single nucleotide variant.
Coding change: c.721G>A on transcript NM_013328.4 (MANE Select); coding-DNA position 721, G replaced by A.
Protein change: p.Ala241Thr; replaces alanine 241 with threonine.
Molecular consequence: missense variant.
Genome position (GRCh38, 1-based): chr1:225,921,284, C>T on the plus strand (G>A on the coding strand, the complement: PYCR2 is on the minus strand). VCF-style: chr1-225921284-C-T. GRCh37 (hg19) VCF-style: chr1-226108984-C-T.
Other names: c.499G>A, p.Ala167Thr (NM_001271681.2); short protein forms A167T, A241T.
Identifiers: ClinVar variation 4881573 (VCV004881573.2).